The following is an entry in ClinVar:

ClinVar aggregate classification (germline): Likely pathogenic (1 of 4 stars; one submission).

Submission:

Labcorp Genetics (formerly Invitae), Labcorp
Classification: Likely pathogenic. Last evaluated: 2021-11-06. Review status: criteria provided, single submitter. Criteria: Invitae Variant Classification Sherloc (09022015). Collection method: clinical testing. Allele origin: germline.
Comment: This sequence change affects a donor splice site in intron 7 of the NFKB1 gene. It is expected to disrupt RNA splicing. Variants that disrupt the donor or acceptor splice site typically lead to a loss of protein function (PMID: 16199547), and loss-of-function variants in NFKB1 are known to be pathogenic (PMID: 26279205, 29477724). This variant is not present in population databases (gnomAD no frequency). Disruption of this splice site has been observed in individual(s) with common variable immunodeficiency (PMID: 33225392). Algorithms developed to predict the effect of sequence changes on RNA splicing suggest that this variant may disrupt the consensus splice site. In summary, the currently available evidence indicates that the variant is pathogenic, but additional data are needed to prove that conclusively. Therefore, this variant has been classified as Likely Pathogenic.

Literature cited by the submitters: PubMed 16199547; PubMed 26279205; PubMed 29477724; PubMed 33225392.

NM_003998.4(NFKB1):c.571+1G>A

Gene: NFKB1 (nuclear factor kappa B subunit 1; plus strand). Cytogenetic location: 4q24.
Variant type: single nucleotide variant.
Coding change: c.571+1G>A on transcript NM_003998.4 (MANE Select); the canonical splice donor site of the intron after coding-DNA position 571, G replaced by A.
Molecular consequence: splice donor variant.
Genome position (GRCh38, 1-based): chr4:102,577,040, G>A. VCF-style: chr4-102577040-G-A. GRCh37 (hg19) VCF-style: chr4-103498197-G-A.
Other names: c.571+1G>A (NM_001382626.1, NM_001382625.1); c.568+1G>A (NM_001382627.1, NM_001165412.2, NM_001319226.2); c.529+1G>A (NM_001382628.1).
Identifiers: ClinVar variation 1488455 (VCV001488455.6), dbSNP rs2149182005, ClinGen allele CA357959399.